The following is an entry in ClinVar:

ClinVar aggregate classification (germline): Pathogenic (1 of 4 stars; one submission).

Submission:

Labcorp Genetics (formerly Invitae), Labcorp
Classification: Pathogenic. Last evaluated: 2024-01-24. Review status: criteria provided, single submitter. Criteria: Invitae Variant Classification Sherloc (09022015). Collection method: clinical testing. Allele origin: germline.
Comment: This sequence change creates a premature translational stop signal (p.Asn67Ilefs*22) in the RXYLT1 gene. It is expected to result in an absent or disrupted protein product. Loss-of-function variants in RXYLT1 are known to be pathogenic (PMID: 23217329, 23519211, 31742715). This variant is not present in population databases (gnomAD no frequency). This variant has not been reported in the literature in individuals affected with RXYLT1-related conditions. For these reasons, this variant has been classified as Pathogenic.

Literature cited by the submitters: PubMed 23217329; PubMed 23519211; PubMed 31742715.

NM_014254.3(RXYLT1):c.200del (p.Asn67fs)

Gene: RXYLT1 (ribitol xylosyltransferase 1; plus strand). Cytogenetic location: 12q14.2.
Variant type: Deletion.
Coding change: c.200del on transcript NM_014254.3 (MANE Select); coding-DNA position 200, one base deleted (A; older notation c.200delA).
Protein change: p.Asn67fs; shifts the reading frame from asparagine 67.
Molecular consequence: frameshift variant. On other transcripts: 5 prime UTR variant (1).
Genome position (GRCh38, 1-based): chr12:63,781,049, A deleted; the last of 2 consecutive A bases (chr12:63,781,048-63,781,049); deleting either gives the same sequence. VCF-style (leftmost placement, unchanged base first): chr12-63781047-GA-G. GRCh37 (hg19) VCF-style: chr12-64174827-GA-G.
Other names: c.-581del (NM_001278237.2); short protein forms N67fs.
Identifiers: ClinVar variation 2711005 (VCV002711005.3), dbSNP rs2500477515, ClinGen allele CA2697559316.